The following is an entry in ClinVar:

ClinVar aggregate classification (germline): Uncertain significance (1 of 4 stars; one submission).

Conditions:
Brody myopathy. Also called: BRODY DISEASE. Identifiers: Orphanet 53347, MedGen C1832918, MONDO:0010977, OMIM 601003.

Allele frequency attached by ClinVar (database versions not stated): ExAC 0.00001; gnomAD 0.00001; gnomAD exomes 0.00001.

Submission:

Labcorp Genetics (formerly Invitae), Labcorp
Classification: Uncertain significance for Brody myopathy. Last evaluated: 2022-07-26. Review status: criteria provided, single submitter. Criteria: Invitae Variant Classification Sherloc (09022015). Collection method: clinical testing. Allele origin: germline.
Comment: This variant has not been reported in the literature in individuals affected with ATP2A1-related conditions. This variant is present in population databases (rs748108273, gnomAD 0.009%). This sequence change replaces asparagine, which is neutral and polar, with serine, which is neutral and polar, at codon 101 of the ATP2A1 protein (p.Asn101Ser). ClinVar contains an entry for this variant (Variation ID: 1493290). In summary, the available evidence is currently insufficient to determine the role of this variant in disease. Therefore, it has been classified as a Variant of Uncertain Significance. Algorithms developed to predict the effect of sequence changes on RNA splicing suggest that this variant may create or strengthen a splice site. Algorithms developed to predict the effect of missense changes on protein structure and function are either unavailable or do not agree on the potential impact of this missense change (SIFT: "Deleterious"; PolyPhen-2: "Probably Damaging"; Align-GVGD: "Class C0").

NM_004320.6(ATP2A1):c.302A>G (p.Asn101Ser)

Gene: ATP2A1 (ATPase sarcoplasmic/endoplasmic reticulum Ca2+ transporting 1; plus strand). Cytogenetic location: 16p11.2.
Variant type: single nucleotide variant.
Coding change: c.302A>G on transcript NM_004320.6 (MANE Select); coding-DNA position 302, A replaced by G.
Protein change: p.Asn101Ser; replaces asparagine 101 with serine.
Molecular consequence: missense variant. On other transcripts: 5 prime UTR variant (1).
Genome position (GRCh38, 1-based): chr16:28,880,997, A>G. VCF-style: chr16-28880997-A-G. GRCh37 (hg19) VCF-style: chr16-28892318-A-G.
Other names: c.-74A>G (NM_001286075.2); c.302A>G, p.Asn101Ser (NM_173201.5); short protein forms N101S.
Identifiers: ClinVar variation 1493290 (VCV001493290.6), dbSNP rs748108273, ClinGen allele CA7986599.